The following is an entry in ClinVar:

ClinVar aggregate classification (germline): Uncertain significance. Review status: criteria provided, multiple submitters, no conflicts (2 of 4 stars). 2 submissions from 2 submitters: Uncertain significance (2). Last evaluated 2026-08-28.

Conditions:
RASopathy. Also called: rasopathies; Noonan spectrum disorder. Identifiers: Orphanet 536391, MedGen C5555857, MONDO:0021060.
Cardiovascular phenotype. Identifiers: MedGen CN230736.

Submissions (2):

Ambry Genetics
Classification: Uncertain significance for Cardiovascular phenotype. Last evaluated: 2026-08-28. Review status: criteria provided, single submitter. Criteria: Ambry Variant Classification Scheme 2023. Collection method: clinical testing. Allele origin: germline.
Comment: The p.S858A variant (also known as c.2572T>G), located in coding exon 16 of the CBL gene, results from a T to G substitution at nucleotide position 2572. The serine at codon 858 is replaced by alanine, an amino acid with similar properties. This amino acid position is conserved. In addition, the in silico prediction for this alteration is inconclusive. Based on the available evidence, the clinical significance of this variant remains unclear.

Labcorp Genetics (formerly Invitae), Labcorp
Classification: Uncertain significance for RASopathy. Last evaluated: 2025-07-13. Review status: criteria provided, single submitter. Criteria: Invitae Variant Classification Sherloc (09022015). Collection method: clinical testing. Allele origin: germline.
Comment: This sequence change replaces serine, which is neutral and polar, with alanine, which is neutral and non-polar, at codon 858 of the CBL protein (p.Ser858Ala). This variant is not present in population databases (gnomAD no frequency). This variant has not been reported in the literature in individuals affected with CBL-related conditions. Invitae Evidence Modeling of protein sequence and biophysical properties (such as structural, functional, and spatial information, amino acid conservation, physicochemical variation, residue mobility, and thermodynamic stability) indicates that this missense variant is not expected to disrupt CBL protein function with a negative predictive value of 95%. In summary, the available evidence is currently insufficient to determine the role of this variant in disease. Therefore, it has been classified as a Variant of Uncertain Significance.

NM_005188.4(CBL):c.2572T>G (p.Ser858Ala)

Gene: CBL (Cbl proto-oncogene; plus strand). Cytogenetic location: 11q23.3.
Variant type: single nucleotide variant.
Coding change: c.2572T>G on transcript NM_005188.4 (MANE Select); coding-DNA position 2572, T replaced by G.
Protein change: p.Ser858Ala; replaces serine 858 with alanine.
Molecular consequence: missense variant.
Genome position (GRCh38, 1-based): chr11:119,299,632, T>G. VCF-style: chr11-119299632-T-G. GRCh37 (hg19) VCF-style: chr11-119170342-T-G.
Other names: c.2572T>G (NM_005188.2); short protein forms S858A.
Identifiers: ClinVar variation 4706377 (VCV004706377.2).